The following is an entry in ClinVar:

ClinVar aggregate classification (germline): Uncertain significance (1 of 4 stars; one submission).

Allele frequency attached by ClinVar (database versions not stated): gnomAD 0.00001; gnomAD exomes 0.00005; ExAC 0.00013.
gnomAD v4.1: 73 of 1,614,082 alleles (0.0045%); highest among the groups gnomAD compares: Non-Finnish European, 0.0061%; no homozygotes.

Submission:

Labcorp Genetics (formerly Invitae), Labcorp
Classification: Uncertain significance. Last evaluated: 2023-10-13. Review status: criteria provided, single submitter. Criteria: Invitae Variant Classification Sherloc (09022015). Collection method: clinical testing. Allele origin: germline.
Comment: This sequence change replaces alanine, which is neutral and non-polar, with threonine, which is neutral and polar, at codon 301 of the TGM6 protein (p.Ala301Thr). This variant is present in population databases (rs779620233, gnomAD 0.02%). This variant has not been reported in the literature in individuals affected with TGM6-related conditions. Advanced modeling of protein sequence and biophysical properties (such as structural, functional, and spatial information, amino acid conservation, physicochemical variation, residue mobility, and thermodynamic stability) performed at Invitae indicates that this missense variant is expected to disrupt TGM6 protein function. In summary, the available evidence is currently insufficient to determine the role of this variant in disease. Therefore, it has been classified as a Variant of Uncertain Significance.

NM_198994.3(TGM6):c.901G>A (p.Ala301Thr)

Gene: TGM6 (transglutaminase 6; plus strand). Cytogenetic location: 20p13.
Variant type: single nucleotide variant.
Coding change: c.901G>A on transcript NM_198994.3 (MANE Select); coding-DNA position 901, G replaced by A.
Protein change: p.Ala301Thr; replaces alanine 301 with threonine.
Molecular consequence: missense variant.
Genome position (GRCh38, 1-based): chr20:2,400,356, G>A. VCF-style: chr20-2400356-G-A. GRCh37 (hg19) VCF-style: chr20-2381002-G-A.
Other names: c.901G>A, p.Ala301Thr (NM_001254734.2); short protein forms A301T.
Identifiers: ClinVar variation 2957492 (VCV002957492.3), dbSNP rs779620233, ClinGen allele CA9731880.